The following is an entry in ClinVar:

NM_001267550.2(TTN):c.72105T>C (p.Phe24035=)

Genes: TTN (titin; minus strand), TTN-AS1 (TTN antisense RNA 1; plus strand). Cytogenetic location: 2q31.2.
Variant type: single nucleotide variant.
Coding change: c.72105T>C on transcript NM_001267550.2 (MANE Select); coding-DNA position 72105, T replaced by C.
Protein change: p.Phe24035=; no amino-acid change (phenylalanine 24035 retained).
Molecular consequence: synonymous variant.
Genome position (GRCh38, 1-based): chr2:178,574,027, A>G on the plus strand (T>C on the coding strand, the complement: TTN is on the minus strand). VCF-style: chr2-178574027-A-G. GRCh37 (hg19) VCF-style: chr2-179438754-A-G.
Other names: p.Phe22394=; c.67182T>C, p.Phe22394= (NM_001256850.1); c.44910T>C, p.Phe14970= (NM_003319.4); c.64401T>C, p.Phe21467= (NM_133378.4); c.45285T>C, p.Phe15095= (NM_133432.3); c.45486T>C, p.Phe15162= (NM_133437.4).
Identifiers: ClinVar variation 47307 (VCV000047307.51), dbSNP rs397517691, ClinGen allele CA140627.

ClinVar aggregate classification (germline): Benign/Likely benign. Review status: criteria provided, multiple submitters, no conflicts (2 of 4 stars). 24 submissions from 17 submitters: Benign (16); Likely benign (4). 4 of the submissions do not count toward it. Last evaluated 2026-02-01.

Conditions:
Dilated cardiomyopathy 1G (CMD1G). Identifiers: Orphanet 154, MedGen C1858763, MONDO:0011400, OMIM 604145.
Autosomal recessive limb-girdle muscular dystrophy type 2J (LGMDR10). Also called: Limb-girdle muscular dystrophy, type 2J; MUSCULAR DYSTROPHY, LIMB-GIRDLE, AUTOSOMAL RECESSIVE 10. Identifiers: Orphanet 140922, MedGen C1837342, MONDO:0012127, OMIM 608807.
Cardiovascular phenotype. Identifiers: MedGen CN230736.
Cardiomyopathy (CMYO). Also called: Cardiomyopathies. Identifiers: Orphanet 167848, MedGen C0878544, MONDO:0004994, HP:0001638. Inheritance: Various modes of inheritance.
Early-onset myopathy with fatal cardiomyopathy (CMYO5). Also called: Salih Myopathy; CONGENITAL MYOPATHY 5 WITH CARDIOMYOPATHY. Identifiers: Orphanet 289377, MedGen C2673677, MONDO:0012714, OMIM 611705. Disease mechanism: loss of function.
Myopathy, myofibrillar, 9, with early respiratory failure (MFM9). Also called: Hereditary myopathy with early respiratory failure; Myopathy, distal, with early respiratory failure, autosomal dominant; EDSTROM MYOPATHY; MYOPATHY, PROXIMAL, WITH EARLY RESPIRATORY MUSCLE INVOLVEMENT. Identifiers: Orphanet 178464, Orphanet 34521, MedGen C1863599, MONDO:0011362, OMIM 603689.
Tibial muscular dystrophy (TMD). Also called: Udd Distal Myopathy – Tibial Muscular Dystrophy; Tibial muscular dystrophy, tardive; UDD MYOPATHY. Identifiers: Orphanet 609, MedGen C1838244, MONDO:0010870, OMIM 600334.

Allele frequency attached by ClinVar (database versions not stated): gnomAD 0.00001 and 0.00042; TOPMed 0.00009; gnomAD exomes 0.00085 and 0.00176; ExAC 0.00188; 1000 Genomes Project 30x 0.00312; 1000 Genomes Project 0.00339.
gnomAD v4.1: 1,316 of 1,613,454 alleles (0.082%); highest among the groups gnomAD compares: South Asian, 1.4%; 17 homozygotes.

Submissions (24):

Labcorp Genetics (formerly Invitae), Labcorp
Classification: Benign for Dilated cardiomyopathy 1G; Autosomal recessive limb-girdle muscular dystrophy type 2J. Last evaluated: 2026-02-01. Review status: criteria provided, single submitter. Criteria: Invitae Variant Classification Sherloc (09022015). Collection method: clinical testing. Allele origin: germline.

Mayo Clinic Laboratories, Mayo Clinic
Classification: Benign. Last evaluated: 2025-07-22. Review status: criteria provided, single submitter. Criteria: ACMG Guidelines, 2015. Collection method: clinical testing. Allele origin: germline. Observed: 1 variant allele.
Comment: BS1, BS2, BP4, BP7

Molecular Diagnostic Laboratory for Inherited Cardiovascular Disease, Montreal Heart Institute
Classification: Benign. Last evaluated: 2025-04-09. Review status: criteria provided, single submitter. Criteria: ACMG Guidelines, 2015. Collection method: clinical testing. Allele origin: germline. Affected: no.

Blueprint Genetics
Classification: Likely benign. Last evaluated: 2024-11-19. Review status: criteria provided, single submitter. Criteria: ACMG Guidelines, 2015. Collection method: clinical testing. Allele origin: germline.

CeGaT Center for Human Genetics Tuebingen
Classification: Benign. Last evaluated: 2024-10-01. Review status: criteria provided, single submitter. Criteria: CeGaT Center For Human Genetics Tuebingen Variant Classification Criteria Version 2. Collection method: clinical testing. Allele origin: germline. Affected: yes. Observed: 1 variant allele.
Comment: TTN: BP4, BP7, BS1, BS2

Genome-Nilou Lab
Classification: Benign for Autosomal recessive limb-girdle muscular dystrophy type 2J. Last evaluated: 2021-09-10. Review status: criteria provided, single submitter. Criteria: ACMG Guidelines, 2015. Collection method: clinical testing. Allele origin: germline. Affected: no.

Genome-Nilou Lab
Classification: Benign for Myopathy, myofibrillar, 9, with early respiratory failure. Last evaluated: 2021-09-10. Review status: criteria provided, single submitter. Criteria: ACMG Guidelines, 2015. Collection method: clinical testing. Allele origin: germline. Affected: no.

Genome-Nilou Lab
Classification: Benign for Early-onset myopathy with fatal cardiomyopathy. Last evaluated: 2021-09-10. Review status: criteria provided, single submitter. Criteria: ACMG Guidelines, 2015. Collection method: clinical testing. Allele origin: germline. Affected: no.

Genome-Nilou Lab
Classification: Benign for Tibial muscular dystrophy. Last evaluated: 2021-09-10. Review status: criteria provided, single submitter. Criteria: ACMG Guidelines, 2015. Collection method: clinical testing. Allele origin: germline. Affected: no.

Women's Health and Genetics/Laboratory Corporation of America, LabCorp
Classification: Benign. Last evaluated: 2020-11-16. Review status: criteria provided, single submitter. Criteria: LabCorp Variant Classification Summary - May 2015. Collection method: clinical testing. Allele origin: germline.

Illumina Laboratory Services, Illumina
Classification: Benign for Tibial muscular dystrophy. Last evaluated: 2018-01-12. Review status: criteria provided, single submitter. Criteria: ICSL Variant Classification Criteria 13 December 2019. Collection method: clinical testing. Allele origin: germline.
Comment: This variant was observed in the ICSL laboratory as part of a predisposition screen in an ostensibly healthy population. It had not been previously curated by ICSL or reported in the Human Gene Mutation Database (HGMD: prior to June 1st, 2018), and was therefore a candidate for classification through an automated scoring system. Utilizing variant allele frequency, disease prevalence and penetrance estimates, and inheritance mode, an automated score was calculated to assess if this variant is too frequent to cause the disease. Based on the score and internal cut-off values, a variant classified as benign is not then subjected to further curation. The score for this variant resulted in a classification of benign for this disease.

Illumina Laboratory Services, Illumina
Classification: Likely benign for Early-onset myopathy with fatal cardiomyopathy. Last evaluated: 2018-01-12. Review status: criteria provided, single submitter. Criteria: ICSL Variant Classification Criteria 13 December 2019. Collection method: clinical testing. Allele origin: germline.
Comment: This variant was observed in the ICSL laboratory as part of a predisposition screen in an ostensibly healthy population. It had not been previously curated by ICSL or reported in the Human Gene Mutation Database (HGMD: prior to June 1st, 2018), and was therefore a candidate for classification through an automated scoring system. Utilizing variant allele frequency, disease prevalence and penetrance estimates, and inheritance mode, an automated score was calculated to assess if this variant is too frequent to cause the disease. Based on the score and internal cut-off values, a variant classified as likely benign is not then subjected to further curation. The score for this variant resulted in a classification of likely benign for this disease.

Illumina Laboratory Services, Illumina
Classification: Likely benign for Autosomal recessive limb-girdle muscular dystrophy type 2J. Last evaluated: 2018-01-12. Review status: criteria provided, single submitter. Criteria: ICSL Variant Classification Criteria 13 December 2019. Collection method: clinical testing. Allele origin: germline.
Comment: the same text as in the submission from Illumina Laboratory Services, Illumina above.

Illumina Laboratory Services, Illumina
Classification: Benign for Myopathy, myofibrillar, 9, with early respiratory failure. Last evaluated: 2018-01-12. Review status: criteria provided, single submitter. Criteria: ICSL Variant Classification Criteria 13 December 2019. Collection method: clinical testing. Allele origin: germline.
Comment: the same text as in the submission from Illumina Laboratory Services, Illumina above.

Illumina Laboratory Services, Illumina
Classification: Likely benign for Dilated cardiomyopathy 1G. Last evaluated: 2018-01-12. Review status: criteria provided, single submitter. Criteria: ICSL Variant Classification Criteria 13 December 2019. Collection method: clinical testing. Allele origin: germline.
Comment: the same text as in the submission from Illumina Laboratory Services, Illumina above.

CHEO Genetics Diagnostic Laboratory, Children's Hospital of Eastern Ontario
Classification: Benign for Cardiomyopathy. Last evaluated: 2017-10-17. Review status: criteria provided, single submitter. Criteria: ACMG Guidelines, 2015. Collection method: clinical testing. Allele origin: germline. Study: Canadian Open Genetics Repository.

Ambry Genetics
Classification: Benign for Cardiovascular phenotype. Last evaluated: 2017-02-16. Review status: criteria provided, single submitter. Criteria: Ambry Variant Classification Scheme 2023. Collection method: clinical testing. Allele origin: germline.

Laboratory for Molecular Medicine, Mass General Brigham Personalized Medicine
Classification: Benign. Last evaluated: 2015-12-18. Review status: criteria provided, single submitter. Criteria: LMM Criteria. Collection method: clinical testing. Allele origin: germline. Observed: 5 variant alleles.
Comment: p.Phe21467Phe in exon 275 of TTN: This variant is not expected to have clinical significance because it does not alter an amino acid residue and it is not locat ed within the splice consensus sequence. It has been identified in 1.4% (226/165 04) of South Asian chromosomes, including 3 homozygotes by the Exome Aggregation Consortium (ExAC; dbSNP rs397517691).

GeneDx
Classification: Benign. Last evaluated: 2015-12-08. Review status: criteria provided, single submitter. Criteria: GeneDx Variant Classification (06012015). Collection method: clinical testing. Allele origin: germline. Affected: yes.
Comment: This variant is considered likely benign or benign based on one or more of the following criteria: it is a conservative change, it occurs at a poorly conserved position in the protein, it is predicted to be benign by multiple in silico algorithms, and/or has population frequency not consistent with disease.

Eurofins Ntd Llc (ga)
Classification: Benign. Last evaluated: 2015-09-15. Review status: criteria provided, single submitter. Criteria: EGL Classification Definitions 2015. Collection method: clinical testing. Allele origin: germline. Observed: 2 variant alleles, 2 heterozygotes.

Clinical Genetics DNA and cytogenetics Diagnostics Lab, Erasmus MC, Erasmus Medical Center
Classification: Benign. Review status: no assertion criteria provided. Collection method: clinical testing. Allele origin: germline. Affected: yes. Study: VKGL Data-share Consensus. Not counted in ClinVar's aggregate classification.

Clinical Genetics, Academic Medical Center
Classification: Benign. Review status: no assertion criteria provided. Collection method: clinical testing. Allele origin: germline. Affected: yes. Study: VKGL Data-share Consensus. Not counted in ClinVar's aggregate classification.

Genome Diagnostics Laboratory, University Medical Center Utrecht
Classification: Likely benign. Review status: no assertion criteria provided. Collection method: clinical testing. Allele origin: germline. Affected: yes. Study: VKGL Data-share Consensus. Not counted in ClinVar's aggregate classification.

Laboratory of Diagnostic Genome Analysis, Leiden University Medical Center (LUMC)
Classification: Likely benign. Review status: no assertion criteria provided. Collection method: clinical testing. Allele origin: germline. Affected: yes. Study: VKGL Data-share Consensus. Not counted in ClinVar's aggregate classification.